The following is an entry in ClinVar:

ClinVar aggregate classification (germline): Uncertain significance. Review status: criteria provided, multiple submitters, no conflicts (2 of 4 stars). 2 submissions from 2 submitters: Uncertain significance (2). Last evaluated 2026-05-13.

Conditions:
Dyskeratosis congenita, autosomal dominant 2. Identifiers: MedGen C3151443, MONDO:0013521, OMIM 613989.
Idiopathic Pulmonary Fibrosis. Also called: Idiopathic fibrosing alveolitis, chronic form; idiopathic fibrosing alveolitis. Identifiers: Orphanet 2032, MedGen C1800706, MeSH D054990, MONDO:0800504.
Dyskeratosis congenita. Identifiers: Orphanet 1775, MedGen C0265965, MONDO:0015780.

Allele frequency attached by ClinVar (database versions not stated): gnomAD exomes below 0.00001; gnomAD 0.00001.
gnomAD v4.1: 5 of 1,570,508 alleles (0.00032%); highest among the groups gnomAD compares: Non-Finnish European, 0.00035%; no homozygotes.

Submissions (2):

Ambry Genetics
Classification: Uncertain significance for Dyskeratosis congenita. Last evaluated: 2026-05-13. Review status: criteria provided, single submitter. Criteria: Ambry Variant Classification Scheme 2023. Collection method: clinical testing. Allele origin: germline.
Comment: The p.T996M variant (also known as c.2987C>T), located in coding exon 13 of the TERT gene, results from a C to T substitution at nucleotide position 2987. The threonine at codon 996 is replaced by methionine, an amino acid with similar properties. This amino acid position is well conserved in available vertebrate species. In addition, the in silico prediction for this alteration is inconclusive. Based on the available evidence, the clinical significance of this variant remains unclear.

Labcorp Genetics (formerly Invitae), Labcorp
Classification: Uncertain significance for Dyskeratosis congenita, autosomal dominant 2; Idiopathic Pulmonary Fibrosis. Last evaluated: 2023-08-09. Review status: criteria provided, single submitter. Criteria: Invitae Variant Classification Sherloc (09022015). Collection method: clinical testing. Allele origin: germline.
Comment: ClinVar contains an entry for this variant (Variation ID: 1440721). This sequence change replaces threonine, which is neutral and polar, with methionine, which is neutral and non-polar, at codon 996 of the TERT protein (p.Thr996Met). The frequency data for this variant in the population databases is considered unreliable, as metrics indicate poor data quality at this position in the gnomAD database. This variant has not been reported in the literature in individuals affected with TERT-related conditions. Advanced modeling of protein sequence and biophysical properties (such as structural, functional, and spatial information, amino acid conservation, physicochemical variation, residue mobility, and thermodynamic stability) performed at Invitae indicates that this missense variant is expected to disrupt TERT protein function. In summary, the available evidence is currently insufficient to determine the role of this variant in disease. Therefore, it has been classified as a Variant of Uncertain Significance.

NM_198253.3(TERT):c.2987C>T (p.Thr996Met)

Gene: TERT (telomerase reverse transcriptase; minus strand). Cytogenetic location: 5p15.33.
Variant type: single nucleotide variant.
Coding change: c.2987C>T on transcript NM_198253.3 (MANE Select); coding-DNA position 2987, C replaced by T.
Protein change: p.Thr996Met; replaces threonine 996 with methionine.
Molecular consequence: missense variant. On other transcripts: non-coding transcript variant (2).
Genome position (GRCh38, 1-based): chr5:1,258,643, G>A on the plus strand (C>T on the coding strand, the complement: TERT is on the minus strand). VCF-style: chr5-1258643-G-A. GRCh37 (hg19) VCF-style: chr5-1258758-G-A.
Other names: c.2798C>T, p.Thr933Met (NM_001193376.3); c.2987C>T (NM_198253.2); short protein forms T933M, T996M.
Identifiers: ClinVar variation 1440721 (VCV001440721.7), dbSNP rs1223394183, ClinGen allele CA359068933.
Genomic context (GRCh38, chr5:1,258,643, plus strand): 5'-TTGGTGGCGGCTCACCTGTACGCCTGCAGCAGGAGGATCTTGTAGATGTTGGTGCACACC[G>A]TCTGGAGGCTGTTCACCTAGAGTCGCCAAGAAAGAGTGAGAAACGGTAGAAACCTCTCTG-3'
Protein context (NP_937983.2, residues 986-1006): FLDLQVNSLQ[Thr996Met]VCTNIYKILL